The following is an entry in ClinVar:

ClinVar aggregate classification (germline): Uncertain significance. Review status: criteria provided, multiple submitters, no conflicts (2 of 4 stars). 2 submissions from 2 submitters: Uncertain significance (2). Last evaluated 2025-12-24.

gnomAD v4.1: 10 of 1,613,902 alleles (0.00062%); highest among the groups gnomAD compares: Admixed American, 0.0017%; no homozygotes.

Submissions (2):

Labcorp Genetics (formerly Invitae), Labcorp
Classification: Uncertain significance. Last evaluated: 2025-12-24. Review status: criteria provided, single submitter. Criteria: Invitae Variant Classification Sherloc (09022015). Collection method: clinical testing. Allele origin: germline.
Comment: This sequence change replaces leucine, which is neutral and non-polar, with valine, which is neutral and non-polar, at codon 295 of the GNPTG protein (p.Leu295Val). This variant is present in population databases (rs778776422, gnomAD 0.003%). This variant has not been reported in the literature in individuals affected with GNPTG-related conditions. Invitae Evidence Modeling of protein sequence and biophysical properties (such as structural, functional, and spatial information, amino acid conservation, physicochemical variation, residue mobility, and thermodynamic stability) indicates that this missense variant is not expected to disrupt GNPTG protein function with a negative predictive value of 80%. Algorithms developed to predict the effect of sequence changes on RNA splicing suggest that this variant may disrupt the consensus splice site. In summary, the available evidence is currently insufficient to determine the role of this variant in disease. Therefore, it has been classified as a Variant of Uncertain Significance.

Blueprint Genetics
Classification: Uncertain significance. Last evaluated: 2022-11-23. Review status: criteria provided, single submitter. Criteria: ACMG Guidelines, 2015. Collection method: clinical testing. Allele origin: germline.

NM_032520.5(GNPTG):c.883C>G (p.Leu295Val)

Gene: GNPTG (N-acetylglucosamine-1-phosphate transferase subunit gamma; plus strand). Cytogenetic location: 16p13.3.
Variant type: single nucleotide variant.
Coding change: c.883C>G on transcript NM_032520.5 (MANE Select); coding-DNA position 883, C replaced by G.
Protein change: p.Leu295Val; replaces leucine 295 with valine.
Molecular consequence: missense variant.
Genome position (GRCh38, 1-based): chr16:1,363,056, C>G. VCF-style: chr16-1363056-C-G. GRCh37 (hg19) VCF-style: chr16-1413057-C-G.
Other names: short protein forms L295V.
Identifiers: ClinVar variation 4737116 (VCV004737116.2).